The following is an entry in ClinVar:

ClinVar aggregate classification (germline): Likely pathogenic (1 of 4 stars; one submission).

Conditions:
Microcephaly 18, primary, autosomal dominant (MCPH18). Identifiers: MedGen C4479608, MONDO:0054593, OMIM 617520.

gnomAD v4.1: 1 of 1,613,768 alleles (0.000062%); highest among the groups gnomAD compares: Non-Finnish European, 0.000085%; no homozygotes.

Submission:

Laboratorio de Genetica e Diagnostico Molecular, Hospital Israelita Albert Einstein
Classification: Likely pathogenic for Microcephaly 18, primary, autosomal dominant. Last evaluated: 2024-03-28. Review status: criteria provided, single submitter. Criteria: ACMG Guidelines, 2015. Collection method: clinical testing. Allele origin: germline. Affected: yes.
Comment: ACMG classification criteria: PVS1 very strong, PM2 supporting

NM_014991.6(WDFY3):c.1409T>A (p.Leu470Ter)

Gene: WDFY3 (WD repeat and FYVE domain containing 3; minus strand). Cytogenetic location: 4q21.23.
Variant type: single nucleotide variant.
Coding change: c.1409T>A on transcript NM_014991.6 (MANE Select); coding-DNA position 1409, T replaced by A.
Protein change: p.Leu470Ter; replaces leucine 470 with a stop codon.
Molecular consequence: nonsense.
Genome position (GRCh38, 1-based): chr4:84,821,266, A>T on the plus strand (T>A on the coding strand, the complement: WDFY3 is on the minus strand). VCF-style: chr4-84821266-A-T. GRCh37 (hg19) VCF-style: chr4-85742419-A-T.
Other names: short protein forms L470*.
Identifiers: ClinVar variation 4076311 (VCV004076311.1).